The following is an entry in ClinVar:

NM_017654.4(SAMD9):c.3713T>C (p.Ile1238Thr)

Gene: SAMD9 (sterile alpha motif domain containing 9; minus strand). Cytogenetic location: 7q21.2.
Variant type: single nucleotide variant.
Coding change: c.3713T>C on transcript NM_017654.4 (MANE Select); coding-DNA position 3713, T replaced by C.
Protein change: p.Ile1238Thr; replaces isoleucine 1238 with threonine.
Molecular consequence: missense variant.
Genome position (GRCh38, 1-based): chr7:93,102,385, A>G on the plus strand (T>C on the coding strand, the complement: SAMD9 is on the minus strand). VCF-style: chr7-93102385-A-G. GRCh37 (hg19) VCF-style: chr7-92731698-A-G.
Other names: c.3713T>C, p.Ile1238Thr (NM_001193307.2); short protein forms I1238T.
Identifiers: ClinVar variation 5028734 (VCV005028734.1).

ClinVar aggregate classification (germline): Uncertain significance (1 of 4 stars; one submission).

Conditions:
Inborn genetic diseases. Identifiers: MedGen C0950123, MeSH D030342.

Submission:

Ambry Genetics
Classification: Uncertain significance for Inborn genetic diseases. Last evaluated: 2026-06-20. Review status: criteria provided, single submitter. Criteria: Ambry Variant Classification Scheme 2023. Collection method: clinical testing. Allele origin: germline.
Comment: The p.I1238T variant (also known as c.3713T>C), located in coding exon 1 of the SAMD9 gene, results from a T to C substitution at nucleotide position 3713. The isoleucine at codon 1238 is replaced by threonine, an amino acid with similar properties. This amino acid position is conserved. In addition, this alteration is predicted to be tolerated by in silico analysis. Based on the available evidence, the clinical significance of this variant remains unclear.